The following is an entry in ClinVar:

ClinVar aggregate classification (germline): Uncertain significance (1 of 4 stars; one submission).

Conditions:
DICER1-related tumor predisposition. Also called: DICER1 syndrome; DICER1-related pleuropulmonary blastoma cancer predisposition syndrome. Identifiers: Orphanet 284343, MedGen C3839822, MONDO:0100216.

Submission:

Labcorp Genetics (formerly Invitae), Labcorp
Classification: Uncertain significance for DICER1-related tumor predisposition. Last evaluated: 2021-04-28. Review status: criteria provided, single submitter. Criteria: Invitae Variant Classification Sherloc (09022015). Collection method: clinical testing. Allele origin: germline.
Comment: This sequence change replaces methionine with lysine at codon 325 of the DICER1 protein (p.Met325Lys). The methionine residue is highly conserved and there is a moderate physicochemical difference between methionine and lysine. In summary, the available evidence is currently insufficient to determine the role of this variant in disease. Therefore, it has been classified as a Variant of Uncertain Significance. Algorithms developed to predict the effect of missense changes on protein structure and function are either unavailable or do not agree on the potential impact of this missense change (SIFT: "Deleterious"; PolyPhen-2: "Possibly Damaging"; Align-GVGD: "Class C15"). This variant has not been reported in the literature in individuals with DICER1-related conditions. This variant is not present in population databases (ExAC no frequency).

NM_177438.3(DICER1):c.974T>A (p.Met325Lys)

Gene: DICER1 (dicer 1, ribonuclease III; minus strand). Cytogenetic location: 14q32.13.
Variant type: single nucleotide variant.
Coding change: c.974T>A on transcript NM_177438.3 (MANE Select); coding-DNA position 974, T replaced by A.
Protein change: p.Met325Lys; replaces methionine 325 with lysine.
Molecular consequence: missense variant.
Genome position (GRCh38, 1-based): chr14:95,124,598, A>T on the plus strand (T>A on the coding strand, the complement: DICER1 is on the minus strand). VCF-style: chr14-95124598-A-T. GRCh37 (hg19) VCF-style: chr14-95590935-A-T.
Other names: c.974T>A, p.Met325Lys (NM_001195573.1, NM_001271282.3, NM_001291628.2 and 1 more transcripts); short protein forms M325K.
Identifiers: ClinVar variation 1391545 (VCV001391545.9), dbSNP rs2140207525, ClinGen allele CA390887255.